The following is an entry in ClinVar:

ClinVar aggregate classification (germline): Benign/Likely benign. Review status: criteria provided, multiple submitters, no conflicts (2 of 4 stars). 10 submissions from 10 submitters: Benign (4); Likely benign (3). 3 of the submissions do not count toward it. Last evaluated 2026-01-15.

Conditions:
DICER1-related tumor predisposition. Also called: DICER1 syndrome; DICER1-related pleuropulmonary blastoma cancer predisposition syndrome. Identifiers: Orphanet 284343, MedGen C3839822, MONDO:0100216.

Allele frequency attached by ClinVar (database versions not stated): gnomAD exomes 0.00303 and 0.00432; ExAC 0.00733; gnomAD 0.01738 and 0.01816.

Submissions (10):

Labcorp Genetics (formerly Invitae), Labcorp
Classification: Benign for DICER1-related tumor predisposition. Last evaluated: 2026-01-15. Review status: criteria provided, single submitter. Criteria: Invitae Variant Classification Sherloc (09022015). Collection method: clinical testing. Allele origin: germline.

Center for Genomic Medicine, Rigshospitalet, Copenhagen University Hospital
Classification: Benign. Last evaluated: 2025-03-04. Review status: criteria provided, single submitter. Criteria: ACMG Guidelines, 2015. Collection method: clinical testing. Allele origin: germline.

Mayo Clinic Laboratories, Mayo Clinic
Classification: Likely benign. Last evaluated: 2025-02-07. Review status: criteria provided, single submitter. Criteria: ACMG Guidelines, 2015. Collection method: clinical testing. Allele origin: germline. Observed: 5 variant alleles.
Comment: BS1, BP4, BP7

Blueprint Genetics
Classification: Likely benign. Last evaluated: 2024-11-27. Review status: criteria provided, single submitter. Criteria: ACMG Guidelines, 2015. Collection method: clinical testing. Allele origin: germline.

Department of Pathology and Laboratory Medicine, Sinai Health System
Classification: Benign for DICER1-related tumor predisposition. Last evaluated: 2023-01-19. Review status: criteria provided, single submitter. Criteria: ACMG Guidelines, 2015. Collection method: clinical testing. Allele origin: germline. Affected: yes.

Quest Diagnostics Nichols Institute San Juan Capistrano
Classification: Benign. Last evaluated: 2021-08-03. Review status: criteria provided, single submitter. Criteria: Quest Diagnostics criteria. Collection method: clinical testing. Allele origin: unknown.

GeneDx
Classification: Likely benign. Last evaluated: 2019-08-07. Review status: criteria provided, single submitter. Criteria: GeneDx Variant Classification Process June 2021. Collection method: clinical testing. Allele origin: germline. Affected: yes.
Comment: See Variant Classification Assertion Criteria.

Clinical Genetics DNA and cytogenetics Diagnostics Lab, Erasmus MC, Erasmus Medical Center
Classification: Benign. Review status: no assertion criteria provided. Collection method: clinical testing. Allele origin: germline. Affected: yes. Study: VKGL Data-share Consensus. Not counted in ClinVar's aggregate classification.

Diagnostic Laboratory, Department of Genetics, University Medical Center Groningen
Classification: Benign. Review status: no assertion criteria provided. Collection method: clinical testing. Allele origin: germline. Affected: yes. Study: VKGL Data-share Consensus. Not counted in ClinVar's aggregate classification.

Laboratory of Diagnostic Genome Analysis, Leiden University Medical Center (LUMC)
Classification: Benign. Review status: no assertion criteria provided. Collection method: clinical testing. Allele origin: germline. Affected: yes. Study: VKGL Data-share Consensus. Not counted in ClinVar's aggregate classification.

NM_177438.3(DICER1):c.4206+9_4206+17del

Gene: DICER1 (dicer 1, ribonuclease III; minus strand). Cytogenetic location: 14q32.13.
Variant type: Deletion.
Coding change: c.4206+9_4206+17del on transcript NM_177438.3 (MANE Select); bases 9 to 17 of the intron after coding-DNA position 4206, 9 bases deleted (GTGTGTGTG; older notation c.4206+9_4206+17delGTGTGTGTG).
Molecular consequence: intron variant.
Genome position (GRCh38, 1-based): chr14:95,099,763-95,099,771, CACACACAC deleted on the plus strand (GTGTGTGTG on the coding strand, the reverse complement: DICER1 is on the minus strand). VCF-style (leftmost placement, unchanged base first): chr14-95099762-ACACACACAC-A. GRCh37 (hg19) VCF-style: chr14-95566099-ACACACACAC-A.
Other names: p.?; c.4206+9_4206+17del (NM_001291628.2, NM_030621.4, NM_001271282.3 and 1 more transcripts); c.4206+9_4206+17delGTGTGTGTG (NM_177438.3, NM_177438.2).
Identifiers: ClinVar variation 477186 (VCV000477186.29), dbSNP rs772457274, ClinGen allele CA7330912.
Genomic context (GRCh38, chr14:95,099,762, plus strand): 5'-TGGCTCACCGAAAAGTAAATCCCTCCAGTTACACACACACACACACACACACACACACAC[ACACACACAC>A]AAACTTACCATTTCATCTTTTTCCCATTTATCTGTGTTGCTTTTGTCTTGATTTACTACA-3'